The following is an entry in ClinVar:

NM_181458.4(PAX3):c.1111G>T (p.Val371Leu)

Genes: PAX3 (paired box 3; minus strand), LOC126806529 (CDK7 strongly-dependent group 2 enhancer GRCh37_chr2:223084735-223085934; plus strand). Cytogenetic location: 2q36.1.
Variant type: single nucleotide variant.
Coding change: c.1111G>T on transcript NM_181458.4 (MANE Select); coding-DNA position 1111, G replaced by T.
Protein change: p.Val371Leu; replaces valine 371 with leucine.
Molecular consequence: missense variant.
Genome position (GRCh38, 1-based): chr2:222,220,202, C>A on the plus strand (G>T on the coding strand, the complement: PAX3 is on the minus strand). VCF-style: chr2-222220202-C-A. GRCh37 (hg19) VCF-style: chr2-223084921-C-A.
Other names: c.1108G>T, p.Val370Leu (NM_001127366.3); c.1111G>T, p.Val371Leu (NM_181457.4, NM_181459.4, NM_181460.4 and 1 more transcripts); short protein forms V371L, V370L.
Identifiers: ClinVar variation 2131126 (VCV002131126.4), dbSNP rs2469248545, ClinGen allele CA351116073.

ClinVar aggregate classification (germline): Uncertain significance (1 of 4 stars; one submission).

Submission:

Labcorp Genetics (formerly Invitae), Labcorp
Classification: Uncertain significance. Last evaluated: 2022-04-28. Review status: criteria provided, single submitter. Criteria: Invitae Variant Classification Sherloc (09022015). Collection method: clinical testing. Allele origin: germline.
Comment: In summary, the available evidence is currently insufficient to determine the role of this variant in disease. Therefore, it has been classified as a Variant of Uncertain Significance. Algorithms developed to predict the effect of missense changes on protein structure and function are either unavailable or do not agree on the potential impact of this missense change (SIFT: "Tolerated"; PolyPhen-2: "Possibly Damaging"; Align-GVGD: "Class C0"). This variant has not been reported in the literature in individuals affected with PAX3-related conditions. This variant is not present in population databases (gnomAD no frequency). This sequence change replaces valine, which is neutral and non-polar, with leucine, which is neutral and non-polar, at codon 371 of the PAX3 protein (p.Val371Leu).